The following is an entry in ClinVar:

NM_001372.4(DNAH9):c.4938T>G (p.Ser1646Arg)

Genes: DNAH9 (dynein axonemal heavy chain 9; plus strand), LOC126862506 (BRD4-independent group 4 enhancer GRCh37_chr17:11602804-11604003; plus strand). Cytogenetic location: 17p12.
Variant type: single nucleotide variant.
Coding change: c.4938T>G on transcript NM_001372.4 (MANE Select); coding-DNA position 4938, T replaced by G.
Protein change: p.Ser1646Arg; replaces serine 1646 with arginine.
Molecular consequence: missense variant.
Genome position (GRCh38, 1-based): chr17:11,699,796, T>G. VCF-style: chr17-11699796-T-G. GRCh37 (hg19) VCF-style: chr17-11603113-T-G.
Other names: c.4938T>G (NM_001372.3); short protein forms S1646R.
Identifiers: ClinVar variation 1377426 (VCV001377426.5), dbSNP rs775441023, ClinGen allele CA8395855.

ClinVar aggregate classification (germline): Uncertain significance. Review status: criteria provided, multiple submitters, no conflicts (2 of 4 stars). 2 submissions from 2 submitters: Uncertain significance (2). Last evaluated 2024-12-09.

Conditions:
Inborn genetic diseases. Identifiers: MedGen C0950123, MeSH D030342.

Allele frequency attached by ClinVar (database versions not stated): ExAC 0.00003; TOPMed 0.00003; gnomAD exomes 0.00004; gnomAD 0.00005 and 0.00006.
gnomAD v4.1: 63 of 1,614,068 alleles (0.0039%); highest among the groups gnomAD compares: Middle Eastern, 0.016%; 1 homozygote.

Submissions (2):

Labcorp Genetics (formerly Invitae), Labcorp
Classification: Uncertain significance. Last evaluated: 2024-12-09. Review status: criteria provided, single submitter. Criteria: Invitae Variant Classification Sherloc (09022015). Collection method: clinical testing. Allele origin: germline.
Comment: This sequence change replaces serine, which is neutral and polar, with arginine, which is basic and polar, at codon 1646 of the DNAH9 protein (p.Ser1646Arg). This variant is present in population databases (rs775441023, gnomAD 0.01%). This variant has not been reported in the literature in individuals affected with DNAH9-related conditions. ClinVar contains an entry for this variant (Variation ID: 1377426). An algorithm developed to predict the effect of missense changes on protein structure and function (PolyPhen-2) suggests that this variant¬†is likely to be tolerated. In summary, the available evidence is currently insufficient to determine the role of this variant in disease. Therefore, it has been classified as a Variant of Uncertain Significance.

Ambry Genetics
Classification: Uncertain significance for Inborn genetic diseases. Last evaluated: 2024-01-30. Review status: criteria provided, single submitter. Criteria: Ambry Variant Classification Scheme 2023. Collection method: clinical testing. Allele origin: germline.